The following is an entry in ClinVar:

ClinVar aggregate classification (germline): Conflicting classifications of pathogenicity. Review status: criteria provided, conflicting classifications (1 of 4 stars). 6 submissions from 6 submitters: Uncertain significance (1); Benign (1); Likely benign (2). 2 of the submissions do not count toward it. Last evaluated 2026-01-26.

Conditions:
AGPAT2-related disorder. Also called: AGPAT2-related condition.
Monogenic diabetes. Identifiers: Orphanet 183625, MedGen C3888631, MONDO:0015967.
Congenital generalized lipodystrophy type 1 (CGL1). Also called: BRUNZELL SYNDROME, AGPAT2-RELATED; Berardinelli-Seip Congenital Lipodystrophy Type 1. Identifiers: Orphanet 528, Orphanet 696189, MedGen C1720862, MONDO:0012071, OMIM 608594.

Allele frequency attached by ClinVar (database versions not stated): gnomAD exomes 0.00015 and 0.00043; ExAC 0.00055; 1000 Genomes Project 0.00100; 1000 Genomes Project 30x 0.00109; TOPMed 0.00172; gnomAD 0.00174 and 0.00186; ESP Exome Variant Server 0.00208.

Submissions (6):

Labcorp Genetics (formerly Invitae), Labcorp
Classification: Likely benign. Last evaluated: 2026-01-26. Review status: criteria provided, single submitter. Criteria: Invitae Variant Classification Sherloc (09022015). Collection method: clinical testing. Allele origin: germline.

Mayo Clinic Laboratories, Mayo Clinic
Classification: Uncertain significance. Last evaluated: 2024-12-26. Review status: criteria provided, single submitter. Criteria: ACMG Guidelines, 2015. Collection method: clinical testing. Allele origin: germline. Observed: 3 variant alleles.
Comment: BS1, PP3

Blueprint Genetics
Classification: Likely benign. Last evaluated: 2024-07-05. Review status: criteria provided, single submitter. Criteria: ACMG Guidelines, 2015. Collection method: clinical testing. Allele origin: germline.

Personalized Diabetes Medicine Program, University of Maryland School of Medicine
Classification: Benign for Monogenic diabetes. Last evaluated: 2018-01-12. Review status: criteria provided, single submitter. Criteria: ACMG Guidelines, 2015. Collection method: research. Allele origin: unknown. Observed: 3 variant alleles, 3 heterozygotes.
Comment: ACMG criteria: PP3 (10 predictors), BS1 (MAF too high for disorder, 0.59% in Africans), BS2(1 homozygote in ExAC in congenital disorder)=Benign

PreventionGenetics, part of Exact Sciences
Classification: Likely benign for AGPAT2-related condition. Last evaluated: 2020-03-27. Review status: no assertion criteria provided. Collection method: clinical testing. Allele origin: germline. Not counted in ClinVar's aggregate classification.
Comment: This variant is classified as likely benign based on ACMG/AMP sequence variant interpretation guidelines (Richards et al. 2015 PMID: 25741868, with internal and published modifications).

Clinical Genomics, Uppaluri K&H Personalized Medicine Clinic
Classification: Likely risk allele for Congenital generalized lipodystrophy type 1. Review status: flagged submission. Criteria: K And H Uppaluri Personalized Medicine Clinic Variant Classification And Assertion Criteria Updated V 2. Collection method: research. Allele origin: unknown. Inheritance: Autosomal recessive inheritance. Not counted in ClinVar's aggregate classification.
Comment: Potent mutations in AGPAT2 gene are associated with Congenital generalized lipodystrophy, type 1, which can present with insulin resistance, fatty liver and diabetes. However, the role of this particular variant rs142145391 in Congenital generalized lipodystrophy is yet to be ascertained.
ClinVar note: Notes: Claim only evaluates the gene-disease relationship, not the variant itself.
ClinVar note: Reason: Outlier claim with insufficient supporting evidence

Literature cited by the submitters: PubMed 11967537 (cited by Clinical Genomics, Uppaluri K&H Personalized Medicine Clinic); PubMed 12826327 (cited by Clinical Genomics, Uppaluri K&H Personalized Medicine Clinic).

NM_006412.4(AGPAT2):c.340C>T (p.Arg114Cys)

Gene: AGPAT2 (1-acylglycerol-3-phosphate O-acyltransferase 2; minus strand). Cytogenetic location: 9q34.3.
Variant type: single nucleotide variant.
Coding change: c.340C>T on transcript NM_006412.4 (MANE Select); coding-DNA position 340, C replaced by T.
Protein change: p.Arg114Cys; replaces arginine 114 with cysteine.
Molecular consequence: missense variant.
Genome position (GRCh38, 1-based): chr9:136,677,113, G>A on the plus strand (C>T on the coding strand, the complement: AGPAT2 is on the minus strand). VCF-style: chr9-136677113-G-A. GRCh37 (hg19) VCF-style: chr9-139571565-G-A.
Other names: p.Arg114Cys; c.340C>T, p.Arg114Cys (NM_001012727.2); short protein forms R114C.
Identifiers: ClinVar variation 393426 (VCV000393426.17), dbSNP rs142145391, ClinGen allele CA5343042.